The following is an entry in ClinVar:

ClinVar aggregate classification (germline): Uncertain significance (1 of 4 stars; one submission).

gnomAD v4.1: 2 of 1,553,070 alleles (0.00013%); highest among the groups gnomAD compares: Middle Eastern, 0.034%; no homozygotes.

Submission:

GeneDx
Classification: Uncertain significance. Last evaluated: 2024-05-16. Review status: criteria provided, single submitter. Criteria: GeneDx Variant Classification Process June 2021. Collection method: clinical testing. Allele origin: germline. Affected: yes.
Comment: Not observed at significant frequency in large population cohorts (gnomAD); In silico analysis indicates that this missense variant does not alter protein structure/function; Has not been previously published as pathogenic or benign to our knowledge

NM_198514.4(NHLRC2):c.151G>A (p.Asp51Asn)

Genes: NHLRC2 (NHL repeat containing 2; plus strand), LOC130004775 (ATAC-STARR-seq lymphoblastoid silent region 2838; plus strand). Cytogenetic location: 10q25.3.
Variant type: single nucleotide variant.
Coding change: c.151G>A on transcript NM_198514.4 (MANE Select); coding-DNA position 151, G replaced by A.
Protein change: p.Asp51Asn; replaces aspartic acid 51 with asparagine.
Molecular consequence: missense variant.
Genome position (GRCh38, 1-based): chr10:113,855,023, G>A. VCF-style: chr10-113855023-G-A. GRCh37 (hg19) VCF-style: chr10-115614782-G-A.
Other names: short protein forms D51N.
Identifiers: ClinVar variation 3381514 (VCV003381514.1).
Genomic context (GRCh38, chr10:113,855,023, plus strand): 5'-CAGCAGGAGAAGGACAGCCTGGTCTACCAGTATCTGCAGAAGGTGGACGGCTGGGAGCAG[G>A]ACTTGTCAGTACCCGAGTTTCCGGAAGGTGAGGGGCTGGCGTCGGGGTGGGGGCCCCTCC-3'
Protein context (NP_940916.2, residues 41-61): YLQKVDGWEQ[Asp51Asn]LSVPEFPEGL